The following is an entry in ClinVar:

NM_000466.3(PEX1):c.2993G>A (p.Arg998Gln)

Genes: GATAD1 (GATA zinc finger domain containing 1; plus strand), PEX1 (peroxisomal biogenesis factor 1; minus strand). Cytogenetic location: 7q21.2.
Variant type: single nucleotide variant.
Coding change: c.2993G>A on transcript NM_000466.3 (MANE Select); coding-DNA position 2993, G replaced by A.
Protein change: p.Arg998Gln; replaces arginine 998 with glutamine.
Molecular consequence: missense variant.
Genome position (GRCh38, 1-based): chr7:92,494,330, C>T on the plus strand (G>A on the coding strand, the complement: PEX1 is on the minus strand). VCF-style: chr7-92494330-C-T. GRCh37 (hg19) VCF-style: chr7-92123644-C-T.
Other names: c.2822G>A, p.Arg941Gln (NM_001282677.2); c.2369G>A, p.Arg790Gln (NM_001282678.2); short protein forms R998Q, R790Q, R941Q.
Identifiers: ClinVar variation 957949 (VCV000957949.14), dbSNP rs61750429, ClinGen allele CA161955428.

ClinVar aggregate classification (germline): Uncertain significance. Review status: criteria provided, multiple submitters, no conflicts (2 of 4 stars). 3 submissions from 3 submitters: Uncertain significance (2). 1 of the submissions does not count toward it. Last evaluated 2024-09-10.

Conditions:
Zellweger spectrum disorders (ZS). Also called: Zellweger syndrome; Zellweger Spectrum Disorder (ZSD); Zellweger Spectrum Disorder; Zellweger Spectrum. Identifiers: Orphanet 912, MedGen C0043459, MONDO:0019609.

Allele frequency attached by ClinVar (database versions not stated): gnomAD exomes below 0.00001; TOPMed below 0.00001; gnomAD 0.00001.
gnomAD v4.1: 18 of 1,613,712 alleles (0.0011%); highest among the groups gnomAD compares: Non-Finnish European, 0.0014%; no homozygotes.

Submissions (3):

Women's Health and Genetics/Laboratory Corporation of America, LabCorp
Classification: Uncertain significance. Last evaluated: 2024-09-10. Review status: criteria provided, single submitter. Criteria: LabCorp Variant Classification Summary - May 2015. Collection method: clinical testing. Allele origin: germline.
Comment: Variant summary: PEX1 c.2993G>A (p.Arg998Gln) results in a conservative amino acid change in the encoded protein sequence. Four of five in-silico tools predict a damaging effect of the variant on protein function. The variant allele was found at a frequency of 4e-06 in 250872 control chromosomes. The available data on variant occurrences in the general population are insufficient to allow any conclusion about variant significance. c.2993G>A has been reported in the literature in at-least one individual affected with Zellweger Syndrome (example, Maxwell_2005). These data do not allow any conclusion about variant significance. To our knowledge, no experimental evidence demonstrating an impact on protein function has been reported. The following publication has been ascertained in the context of this evaluation (PMID: 16088892). ClinVar contains an entry for this variant (Variation ID: 957949). Based on the evidence outlined above, the variant was classified as uncertain significance.

Labcorp Genetics (formerly Invitae), Labcorp
Classification: Uncertain significance for Zellweger spectrum disorders. Last evaluated: 2024-01-29. Review status: criteria provided, single submitter. Criteria: Invitae Variant Classification Sherloc (09022015). Collection method: clinical testing. Allele origin: germline.
Comment: This sequence change replaces arginine, which is basic and polar, with glutamine, which is neutral and polar, at codon 998 of the PEX1 protein (p.Arg998Gln). This variant is not present in population databases (gnomAD no frequency). This missense change has been observed in individual(s) with Zellweger syndrome (PMID: 16088892). ClinVar contains an entry for this variant (Variation ID: 957949). Advanced modeling of protein sequence and biophysical properties (such as structural, functional, and spatial information, amino acid conservation, physicochemical variation, residue mobility, and thermodynamic stability) performed at Invitae indicates that this missense variant is expected to disrupt PEX1 protein function with a positive predictive value of 80%. In summary, the available evidence is currently insufficient to determine the role of this variant in disease. Therefore, it has been classified as a Variant of Uncertain Significance.

Natera, Inc.
Classification: Uncertain significance for Zellweger syndrome. Last evaluated: 2020-06-19. Review status: no assertion criteria provided. Collection method: clinical testing. Allele origin: germline. Not counted in ClinVar's aggregate classification.

Literature cited by the submitters: PubMed 16088892 (cited by Women's Health and Genetics/Laboratory Corporation of America, LabCorp and Labcorp Genetics (formerly Invitae), Labcorp).